The following is an entry in ClinVar:

ClinVar aggregate classification (germline): Likely pathogenic (1 of 4 stars; one submission).

Conditions:
Neurodegeneration with brain iron accumulation 2B. Also called: NEUROAXONAL DYSTROPHY, ATYPICAL; NEURODEGENERATION WITH BRAIN IRON ACCUMULATION, PLA2G6-RELATED; aNAD; atypical Neuroaxonal Dystrophy (aNAD). Identifiers: Orphanet 35069, MedGen C1857747, MONDO:0012444, OMIM 610217.

Allele frequency attached by ClinVar (database versions not stated): gnomAD exomes below 0.00001.
gnomAD v4.1: 2 of 1,614,018 alleles (0.00012%); highest among the groups gnomAD compares: Non-Finnish European, 0.00017%; no homozygotes.

Submission:

Neuberg Centre For Genomic Medicine, NCGM
Classification: Likely pathogenic for Neurodegeneration with brain iron accumulation 2B. Review status: criteria provided, single submitter. Criteria: ACMG Guidelines, 2015. Collection method: clinical testing. Allele origin: germline. Inheritance: Autosomal recessive inheritance. Affected: yes.
Comment: The invariant splice donor c.609+2T>C variant in PLA2G6 gene has not been reported previously as a pathogenic variant nor as a benign variant, to our knowledge. The c.609+2T>C variant is novel not in any individuals in gnomAD Exomes and 1000 Genomes. This variant has not been reported to the ClinVar database. Loss of function variants have been previously reported to be disease causing. For these reasons, this variant has been classified as Likely Pathogenic.

NM_003560.4(PLA2G6):c.609+2T>C

Gene: PLA2G6 (phospholipase A2 group VI; minus strand). Cytogenetic location: 22q13.1.
Variant type: single nucleotide variant.
Coding change: c.609+2T>C on transcript NM_003560.4 (MANE Select); the canonical splice donor site of the intron after coding-DNA position 609, T replaced by C.
Molecular consequence: splice donor variant.
Genome position (GRCh38, 1-based): chr22:38,143,103, A>G on the plus strand (T>C on the coding strand, the complement: PLA2G6 is on the minus strand). VCF-style: chr22-38143103-A-G. GRCh37 (hg19) VCF-style: chr22-38539110-A-G.
Other names: c.119+2T>C (NM_001349868.2); c.609+2T>C (NM_001349866.2, NM_001199562.3, NM_001349865.2 and 2 more transcripts); c.75+2T>C (NM_001349869.2, NM_001349867.2).
Identifiers: ClinVar variation 3234902 (VCV003234902.1), dbSNP rs2518055647, ClinGen allele CA411531649.